The following is an entry in ClinVar:

ClinVar aggregate classification (germline): Benign/Likely benign. Review status: criteria provided, multiple submitters, no conflicts (2 of 4 stars). 3 submissions from 2 submitters: Benign (2); Likely benign (1). Last evaluated 2025-06-06.

Conditions:
Perry syndrome. Also called: PARKINSONISM WITH ALVEOLAR HYPOVENTILATION AND MENTAL DEPRESSION. Identifiers: Orphanet 178509, MedGen C1868594, MONDO:0008201, OMIM 168605.
Neuronopathy, distal hereditary motor, type 7B. Also called: HMN VIIB; LOWER MOTOR NEURON DISEASE, DYNACTIN TYPE; NEURONOPATHY, DISTAL HEREDITARY MOTOR, AUTOSOMAL DOMINANT 14; NEURONOPATHY, DISTAL HEREDITARY MOTOR, HARDING TYPE VIIB; NEUROPATHY, DISTAL HEREDITARY MOTOR, HARDING TYPE VIIB; NEUROPATHY, DISTAL HEREDITARY MOTOR, WITH VOCAL CORD PARALYSIS, HARDING TYPE VIIB. Identifiers: Orphanet 139589, MedGen C1843315, MONDO:0011879, OMIM 607641.
Amyotrophic lateral sclerosis type 1 (ALS1). Also called: AMYOTROPHIC LATERAL SCLEROSIS 1, FAMILIAL. Identifiers: Orphanet 803, MedGen C1862939, MONDO:0007103, OMIM 105400.

Allele frequency attached by ClinVar (database versions not stated): gnomAD exomes 0.00001 and 0.00008; TOPMed 0.00001; gnomAD 0.00004; ExAC 0.00010.

Submissions (3):

Labcorp Genetics (formerly Invitae), Labcorp
Classification: Likely benign for Amyotrophic lateral sclerosis type 1; Neuronopathy, distal hereditary motor, type 7B; Perry syndrome. Last evaluated: 2025-06-06. Review status: criteria provided, single submitter. Criteria: Invitae Variant Classification Sherloc (09022015). Collection method: clinical testing. Allele origin: germline.

Illumina Laboratory Services, Illumina
Classification: Benign for Neuronopathy, distal hereditary motor, type 7B. Last evaluated: 2018-01-13. Review status: criteria provided, single submitter. Criteria: ICSL Variant Classification Criteria 13 December 2019. Collection method: clinical testing. Allele origin: germline.
Comment: This variant was observed in the ICSL laboratory as part of a predisposition screen in an ostensibly healthy population. It had not been previously curated by ICSL or reported in the Human Gene Mutation Database (HGMD: prior to June 1st, 2018), and was therefore a candidate for classification through an automated scoring system. Utilizing variant allele frequency, disease prevalence and penetrance estimates, and inheritance mode, an automated score was calculated to assess if this variant is too frequent to cause the disease. Based on the score and internal cut-off values, a variant classified as benign is not then subjected to further curation. The score for this variant resulted in a classification of benign for this disease.

Illumina Laboratory Services, Illumina
Classification: Benign for Perry syndrome. Last evaluated: 2018-01-13. Review status: criteria provided, single submitter. Criteria: ICSL Variant Classification Criteria 13 December 2019. Collection method: clinical testing. Allele origin: germline.
Comment: the same text as in the submission from Illumina Laboratory Services, Illumina above.

NM_004082.5(DCTN1):c.1822G>A (p.Val608Met)

Gene: DCTN1 (dynactin subunit 1; minus strand). Cytogenetic location: 2p13.1.
Variant type: single nucleotide variant.
Coding change: c.1822G>A on transcript NM_004082.5 (MANE Select); coding-DNA position 1822, G replaced by A.
Protein change: p.Val608Met; replaces valine 608 with methionine.
Molecular consequence: missense variant. On other transcripts: non-coding transcript variant (1).
Genome position (GRCh38, 1-based): chr2:74,368,760, C>T on the plus strand (G>A on the coding strand, the complement: DCTN1 is on the minus strand). VCF-style: chr2-74368760-C-T. GRCh37 (hg19) VCF-style: chr2-74595887-C-T.
Other names: c.1762G>A, p.Val588Met (NM_001135040.3); c.1420G>A, p.Val474Met (NM_001135041.3, NM_023019.4); c.1711G>A, p.Val571Met (NM_001190836.2); c.1801G>A, p.Val601Met (NM_001190837.2); c.1771G>A, p.Val591Met (NM_001378991.1); c.1753G>A, p.Val585Met (NM_001378992.1); short protein forms V571M, V608M, V474M, V601M, V588M, V585M, V591M.
Identifiers: ClinVar variation 337086 (VCV000337086.13), dbSNP rs780858230, ClinGen allele CA1722037.